The following is an entry in ClinVar:

ClinVar aggregate classification (germline): Uncertain significance (1 of 4 stars; one submission).

Conditions:
Charcot-Marie-Tooth disease type 4. Also called: Charcot-Marie-Tooth disease, type IV; Charcot-Marie-Tooth, Type 4. Identifiers: Orphanet 64749, MedGen C4082197, MONDO:0018995.

Submission:

Labcorp Genetics (formerly Invitae), Labcorp
Classification: Uncertain significance for Charcot-Marie-Tooth disease type 4. Last evaluated: 2022-05-28. Review status: criteria provided, single submitter. Criteria: Invitae Variant Classification Sherloc (09022015). Collection method: clinical testing. Allele origin: germline.
Comment: This sequence change replaces cysteine, which is neutral and slightly polar, with glycine, which is neutral and non-polar, at codon 1114 of the SBF2 protein (p.Cys1114Gly). This variant is not present in population databases (gnomAD no frequency). This variant has not been reported in the literature in individuals affected with SBF2-related conditions. Algorithms developed to predict the effect of missense changes on protein structure and function (SIFT, PolyPhen-2, Align-GVGD) all suggest that this variant is likely to be tolerated. In summary, the available evidence is currently insufficient to determine the role of this variant in disease. Therefore, it has been classified as a Variant of Uncertain Significance.

NM_030962.4(SBF2):c.3340T>G (p.Cys1114Gly)

Genes: SBF2 (SET binding factor 2; minus strand), LOC101928008 (uncharacterized LOC101928008; plus strand). Cytogenetic location: 11p15.4.
Variant type: single nucleotide variant.
Coding change: c.3340T>G on transcript NM_030962.4 (MANE Select); coding-DNA position 3340, T replaced by G.
Protein change: p.Cys1114Gly; replaces cysteine 1114 with glycine.
Molecular consequence: missense variant.
Genome position (GRCh38, 1-based): chr11:9,839,613, A>C on the plus strand (T>G on the coding strand, the complement: SBF2 is on the minus strand). VCF-style: chr11-9839613-A-C. GRCh37 (hg19) VCF-style: chr11-9861160-A-C.
Other names: c.3340T>G, p.Cys1114Gly (NM_001386339.1); c.3211T>G, p.Cys1071Gly (NM_001386342.1); short protein forms C1071G, C1114G.
Identifiers: ClinVar variation 1999788 (VCV001999788.4), dbSNP rs2494735853, ClinGen allele CA379628750.